The following is an entry in ClinVar:

NM_000492.4(CFTR):c.3352T>C (p.Ser1118Pro)

Genes: CFTR (CF transmembrane conductance regulator; plus strand), CFTR-AS2 (CFTR antisense RNA 2; minus strand), LOC111674472 (DNase I hypersensitive sites in introns 16 and 17a of CFTR; plus strand). Cytogenetic location: 7q31.2.
Variant type: single nucleotide variant.
Coding change: c.3352T>C on transcript NM_000492.4 (MANE Select); coding-DNA position 3352, T replaced by C.
Protein change: p.Ser1118Pro; replaces serine 1118 with proline.
Molecular consequence: missense variant.
Genome position (GRCh38, 1-based): chr7:117,611,793, T>C. VCF-style: chr7-117611793-T-C. GRCh37 (hg19) VCF-style: chr7-117251847-T-C.
Other names: short protein forms S1118P.
Identifiers: ClinVar variation 1705210 (VCV001705210.3), dbSNP rs1792393919, ClinGen allele CA368992606.
Genomic context (GRCh38, chr7:117,611,793, plus strand): 5'-TGGTTCCAAATGAGAATAGAAATGATTTTTGTCATCTTCTTCATTGCTGTTACCTTCATT[T>C]CCATTTTAACAACAGGTACTATGAACTCATTAACTTTAGCTAAGCATTTAAGTAAAAAAT-3'
Protein context (NP_000483.3, residues 1108-1128): VIFFIAVTFI[Ser1118Pro]ILTTGEGEGR

ClinVar aggregate classification (germline): Uncertain significance. Review status: criteria provided, multiple submitters, no conflicts (2 of 4 stars). 2 submissions from 2 submitters: Uncertain significance (2). Last evaluated 2024-04-04.

Conditions:
Cystic fibrosis (CF). Also called: MUCOVISCIDOSIS. Identifiers: Orphanet 586, MedGen C0010674, MONDO:0009061, OMIM 219700. Disease mechanism: loss of function.

Submissions (2):

Labcorp Genetics (formerly Invitae), Labcorp
Classification: Uncertain significance for Cystic fibrosis. Last evaluated: 2024-04-04. Review status: criteria provided, single submitter. Criteria: Invitae Variant Classification Sherloc (09022015). Collection method: clinical testing. Allele origin: germline.
Comment: This sequence change replaces serine, which is neutral and polar, with proline, which is neutral and non-polar, at codon 1118 of the CFTR protein (p.Ser1118Pro). This variant is not present in population databases (gnomAD no frequency). This variant has not been reported in the literature in individuals affected with CFTR-related conditions. ClinVar contains an entry for this variant (Variation ID: 1705210). Advanced modeling of protein sequence and biophysical properties (such as structural, functional, and spatial information, amino acid conservation, physicochemical variation, residue mobility, and thermodynamic stability) performed at Invitae indicates that this missense variant is expected to disrupt CFTR protein function with a positive predictive value of 80%. This variant disrupts the p.Ser1118 amino acid residue in CFTR. Other variant(s) that disrupt this residue have been determined to be pathogenic (PMID: 19774621, 23276700, 34782259). This suggests that this residue is clinically significant, and that variants that disrupt this residue are likely to be disease-causing. In summary, the available evidence is currently insufficient to determine the role of this variant in disease. Therefore, it has been classified as a Variant of Uncertain Significance.

Women's Health and Genetics/Laboratory Corporation of America, LabCorp
Classification: Uncertain significance. Last evaluated: 2022-08-26. Review status: criteria provided, single submitter. Criteria: LabCorp Variant Classification Summary - May 2015. Collection method: clinical testing. Allele origin: germline.
Comment: Variant summary: CFTR c.3352T>C (p.Ser1118Pro) results in a non-conservative amino acid change located in the ABC transporter type 1, transmembrane domain (IPR011527) of the encoded protein sequence. Five of five in-silico tools predict a damaging effect of the variant on protein function. The variant was absent in 250416 control chromosomes (gnomAD). The available data on variant occurrences in the general population are insufficient to allow any conclusion about variant significance. To our knowledge, no occurrence of c.3352T>C in individuals affected with Chronic Pancreatitis Risk and no experimental evidence demonstrating its impact on protein function have been reported. No clinical diagnostic laboratories have submitted clinical-significance assessments for this variant to ClinVar after 2014, however a different amino acid substition on the same codon has been previously reported as pathogenic by an expert panel (ClinVar: 53722). It is unknown whether this amino acid is essential for protein function. Based on the evidence outlined above, the variant was classified as uncertain significance.

Literature cited by the submitters: PubMed 19774621 (cited by Labcorp Genetics (formerly Invitae), Labcorp); PubMed 23276700 (cited by Labcorp Genetics (formerly Invitae), Labcorp); PubMed 34782259 (cited by Labcorp Genetics (formerly Invitae), Labcorp).